The following is an entry in ClinVar:

ClinVar aggregate classification (germline): Uncertain significance. Review status: criteria provided, multiple submitters, no conflicts (2 of 4 stars). 3 submissions from 3 submitters: Uncertain significance (3). Last evaluated 2024-10-11.

Conditions:
Developmental and epileptic encephalopathy, 69. Also called: EPILEPTIC ENCEPHALOPATHY, EARLY INFANTILE, 69. Identifiers: MedGen C4748988, MONDO:0032657, OMIM 618285.

Submissions (3):

Victorian Clinical Genetics Services, Murdoch Childrens Research Institute
Classification: Uncertain significance for Developmental and epileptic encephalopathy, 69. Last evaluated: 2024-10-11. Review status: criteria provided, single submitter. Criteria: ACMG Guidelines, 2015. Collection method: clinical testing. Allele origin: germline. Inheritance: Autosomal dominant inheritance. Affected: yes.
Comment: Based on the classification scheme VCGS_Germline_v1.1.1, this variant is classified as VUS-3C. Following criteria are met: 0103 - Both loss- and gain-of-function are known mechanisms of disease for this gene (PMID:31468518). (N) 0107 - This gene is known to be associated with autosomal dominant disease. (N) 0212 - Non-canonical splice variant (exon 33). RNA studies on this variant have shown no evidence of aberrant splicing (Splicing Diagnostics, Kids Neuroscience Centre). (N) 0251 - Variant is heterozygous. (N) 0301 - Variant is absent from gnomAD. (P) 0506 - Abnormal splicing is not predicted and nucleotide is poorly conserved. (B) 0600 - Variant is located in an annotated domain or motif (Ion transport domain; NCBI). (N) 0705 - No comparable variants have previous evidence for pathogenicity. (N) 0807 - Variant has not previously been reported in a clinical context. (N) 0905 - No segregation evidence has been identified for this variant. (N) 1007 - No published functional evidence has been identified for this variant. (N) 1102 - Strong phenotype match. (P) Legend: (P) - Pathogenic, (N) - Neutral, (B) - Benign

Genome-Nilou Lab
Classification: Uncertain significance for Developmental and epileptic encephalopathy, 69. Last evaluated: 2023-04-11. Review status: criteria provided, single submitter. Criteria: ACMG Guidelines, 2015. Collection method: clinical testing. Allele origin: germline. Affected: no.

Kids Neuroscience Centre, Sydney Children's Hospitals Network
Classification: Uncertain significance for Developmental and epileptic encephalopathy, 69. Review status: criteria provided, single submitter. Criteria: Bournazos AM et al. (Genet Med 2021). Collection method: clinical testing. Allele origin: de novo. Inheritance: Autosomal dominant inheritance. Affected: yes. Observed: 1 heterozygote.
Comment: No evidence found for mis-splicing induced by the synonymous c.4608C>T, p.(Asn1536=) variant.

Literature cited by the submitters: PubMed 31468518 (cited by Victorian Clinical Genetics Services, Murdoch Childrens Research Institute).

NM_001205293.3(CACNA1E):c.4608C>T (p.Asn1536=)

Gene: CACNA1E (calcium voltage-gated channel subunit alpha1 E; plus strand). Cytogenetic location: 1q25.3.
Variant type: single nucleotide variant.
Coding change: c.4608C>T on transcript NM_001205293.3 (MANE Select); coding-DNA position 4608, C replaced by T.
Protein change: p.Asn1536=; no amino-acid change (asparagine 1536 retained).
Molecular consequence: synonymous variant.
Genome position (GRCh38, 1-based): chr1:181,762,576, C>T. VCF-style: chr1-181762576-C-T. GRCh37 (hg19) VCF-style: chr1-181731712-C-T.
Other names: c.4608C>T, p.Asn1536= (NM_000721.4); c.4551C>T, p.Asn1517= (NM_001205294.2); c.4608C>T (NM_001205293.2).
Identifiers: ClinVar variation 1064617 (VCV001064617.7), dbSNP rs2102718155, ClinGen allele CA422086227.
Genomic context (GRCh38, chr1:181,762,576, plus strand): 5'-TTCTCCTTTTTTTTTTCTTTCCTTTTCTGATGTTCCTATGACTGAATTCATTTGGCAGAA[C>T]TATTTCCGAGACACCTGGAATATCTTTGACTTCATCACCGTGATTGGCAGTATCACAGAA-3'
Protein context (NP_001192222.1, residues 1526-1546): VLKVIAFGFL[Asn1536=]YFRDTWNIFD